The following is an entry in ClinVar:

ClinVar aggregate classification (germline): Likely benign (1 of 4 stars; one submission).

Allele frequency attached by ClinVar (database versions not stated): 1000 Genomes Project 30x 0.00297; 1000 Genomes Project 0.00300; gnomAD 0.00363; TOPMed 0.00406.
gnomAD v4.1: 980 of 1,145,126 alleles (0.086%); highest among the groups gnomAD compares: African/African-American, 1.3%; 1 homozygote.

Submission:

GeneDx
Classification: Likely benign. Last evaluated: 2018-06-18. Review status: criteria provided, single submitter. Criteria: GeneDx Variant Classification (06012015). Collection method: clinical testing. Allele origin: germline. Affected: yes.
Comment: This variant is considered likely benign or benign based on one or more of the following criteria: it is a conservative change, it occurs at a poorly conserved position in the protein, it is predicted to be benign by multiple in silico algorithms, and/or has population frequency not consistent with disease.

NM_004369.4(COL6A3):c.6753+102C>G

Gene: COL6A3 (collagen type VI alpha 3 chain; minus strand). Cytogenetic location: 2q37.3.
Variant type: single nucleotide variant.
Coding change: c.6753+102C>G on transcript NM_004369.4 (MANE Select); 102 bases into the intron after coding-DNA position 6753, C replaced by G.
Molecular consequence: intron variant.
Genome position (GRCh38, 1-based): chr2:237,352,420, G>C on the plus strand (C>G on the coding strand, the complement: COL6A3 is on the minus strand). VCF-style: chr2-237352420-G-C. GRCh37 (hg19) VCF-style: chr2-238261063-G-C.
Other names: c.4932+102C>G (NM_057166.5); c.6135+102C>G (NM_057167.4).
Identifiers: ClinVar variation 679544 (VCV000679544.1), dbSNP rs140765285, ClinGen allele CA67847506.